The following is an entry in ClinVar:

NM_002718.5(PPP2R3A):c.2132G>A (p.Arg711Gln)

Gene: PPP2R3A (protein phosphatase 2 regulatory subunit B''alpha; plus strand). Cytogenetic location: 3q22.3.
Variant type: single nucleotide variant.
Coding change: c.2132G>A on transcript NM_002718.5 (MANE Select); coding-DNA position 2132, G replaced by A.
Protein change: p.Arg711Gln; replaces arginine 711 with glutamine.
Molecular consequence: missense variant. On other transcripts: 5 prime UTR variant (1).
Genome position (GRCh38, 1-based): chr3:136,026,968, G>A. VCF-style: chr3-136026968-G-A. GRCh37 (hg19) VCF-style: chr3-135745810-G-A.
Other names: c.-77G>A (NM_001190447.2); c.269G>A, p.Arg90Gln (NM_181897.3); short protein forms R711Q, R90Q.
Identifiers: ClinVar variation 3042325 (VCV003042325.2), dbSNP rs35250006, ClinGen allele CA2630764.
Genomic context (GRCh38, chr3:136,026,968, plus strand): 5'-TCTCCCCGGTTCCCCATGTGAATAATGTTGTGAATGCGCCATTGTCCATAAACATTCCAC[G>A]GTTCTACTTTCCTGAAGGACTCCCAGATACCTGTAGTAATCATGAACAAACTCTAAGCAG-3'
Protein context (NP_002709.2, residues 701-721): VNAPLSINIP[Arg711Gln]FYFPEGLPDT

ClinVar aggregate classification (germline): Benign (0 of 4 stars; one submission).

Conditions:
PPP2R3A-related disorder. Also called: PPP2R3A-related condition.

Allele frequency attached by ClinVar (database versions not stated): gnomAD 0.01262; ESP Exome Variant Server 0.01399; TOPMed 0.01402; 1000 Genomes Project 0.01797; 1000 Genomes Project 30x 0.01858.
gnomAD v4.1: 6,472 of 1,613,536 alleles (0.4%); highest among the groups gnomAD compares: African/African-American, 4%; 119 homozygotes.

Submission:

PreventionGenetics, part of Exact Sciences
Classification: Benign for PPP2R3A-related condition. Last evaluated: 2019-02-19. Review status: no assertion criteria provided. Collection method: clinical testing. Allele origin: germline.
Comment: This variant is classified as benign based on ACMG/AMP sequence variant interpretation guidelines (Richards et al. 2015 PMID: 25741868, with internal and published modifications).